The following is an entry in ClinVar:

NM_000018.4(ACADVL):c.533T>C (p.Leu178Pro)

Gene: ACADVL (acyl-CoA dehydrogenase very long chain; plus strand). Cytogenetic location: 17p13.1.
Variant type: single nucleotide variant.
Coding change: c.533T>C on transcript NM_000018.4 (MANE Select); coding-DNA position 533, T replaced by C.
Protein change: p.Leu178Pro; replaces leucine 178 with proline.
Molecular consequence: missense variant.
Genome position (GRCh38, 1-based): chr17:7,221,593, T>C. VCF-style: chr17-7221593-T-C. GRCh37 (hg19) VCF-style: chr17-7124912-T-C.
Other names: c.467T>C, p.Leu156Pro (NM_001033859.3); c.602T>C, p.Leu201Pro (NM_001270447.2); c.305T>C, p.Leu102Pro (NM_001270448.2); short protein forms L178P, L102P, L156P, L201P.
Identifiers: ClinVar variation 430156 (VCV000430156.15), dbSNP rs1131691808, ClinGen allele CA397723106.

ClinVar aggregate classification (germline): Conflicting classifications of pathogenicity. Review status: criteria provided, conflicting classifications (1 of 4 stars). 5 submissions from 5 submitters: Likely pathogenic (3); Uncertain significance (2). Last evaluated 2022-05-13.

Conditions:
Inborn genetic diseases. Identifiers: MedGen C0950123, MeSH D030342.
Very long chain acyl-CoA dehydrogenase deficiency (ACADVLD). Also called: Very Long-Chain Acyl-Coenzyme A Dehydrogenase Deficiency; VLCAD Deficiency. Identifiers: Orphanet 26793, MedGen C3887523, MONDO:0008723, OMIM 201475.

Allele frequency attached by ClinVar (database versions not stated): gnomAD exomes below 0.00001.
gnomAD v4.1: 2 of 1,614,082 alleles (0.00012%); highest among the groups gnomAD compares: African/African-American, 0.0013%; no homozygotes.

Submissions (5):

Labcorp Genetics (formerly Invitae), Labcorp
Classification: Uncertain significance for Very long chain acyl-CoA dehydrogenase deficiency. Last evaluated: 2022-05-13. Review status: criteria provided, single submitter. Criteria: Invitae Variant Classification Sherloc (09022015). Collection method: clinical testing. Allele origin: germline.
Comment: This sequence change replaces leucine, which is neutral and non-polar, with proline, which is neutral and non-polar, at codon 178 of the ACADVL protein (p.Leu178Pro). This variant is not present in population databases (gnomAD no frequency). This missense change has been observed in individual(s) with very long-chain acyl-CoA dehydrogenase deficiency although a second variant was not observed (PMID: 21932095). ClinVar contains an entry for this variant (Variation ID: 430156). Advanced modeling of protein sequence and biophysical properties (such as structural, functional, and spatial information, amino acid conservation, physicochemical variation, residue mobility, and thermodynamic stability) performed at Invitae indicates that this missense variant is expected to disrupt ACADVL protein function. In summary, the available evidence is currently insufficient to determine the role of this variant in disease. Therefore, it has been classified as a Variant of Uncertain Significance.

Ambry Genetics
Classification: Uncertain significance for Inborn genetic diseases. Last evaluated: 2021-01-15. Review status: criteria provided, single submitter. Criteria: Ambry Variant Classification Scheme 2023. Collection method: clinical testing. Allele origin: germline.

Wong Mito Lab, Molecular and Human Genetics, Baylor College of Medicine
Classification: Likely pathogenic for Very long chain acyl-CoA dehydrogenase deficiency. Last evaluated: 2019-11-01. Review status: criteria provided, single submitter. Criteria: ACMG Guidelines, 2015. Collection method: clinical testing. Allele origin: germline.
Comment: The NM_000018.3:c.533T>C (NP_000009.1:p.Leu178Pro) [GRCH38: NC_000017.11:g.7221593T>C] variant in ACADVL gene is interpretated to be Likely Pathogenic based on ACMG guidelines (PMID: 25741868). This variant has been reported. This variant meets the following evidence codes reported in the ACMG guidelines: PM1, PM3, PP3, PP4

ARUP Laboratories, Molecular Genetics and Genomics, ARUP Laboratories
Classification: Likely pathogenic for Very long chain acyl-CoA dehydrogenase deficiency. Last evaluated: 2019-09-18. Review status: criteria provided, single submitter. Criteria: ARUP Molecular Germline Variant Investigation Process. Collection method: clinical testing. Allele origin: germline.
Comment: The ACADVL c.533T>C; p.Leu178Pro variant (rs1131691808), also published as p.Leu138Pro, is reported in the literature in an individual with a positive newborn screen for VLCAD deficiency and a residual enzyme activity measured at 33% of normal (Hoffman 2012). This variant is absent from general population databases (Exome Variant Server, Genome Aggregation Database), indicating it is not a common polymorphism. The leucine at codon 178 is moderately conserved, it occurs in the substrate binding cavity (Hoffman 2012), and computational analyses (SIFT, PolyPhen-2) predict that this variant is deleterious. Based on available information, this variant is considered to be likely pathogenic. References: Hoffmann L et al. VLCAD enzyme activity determinations in newborns identified by screening: a valuable tool for risk assessment. J Inherit Metab Dis. 2012 Mar;35(2):269-77.

GeneDx
Classification: Likely pathogenic. Last evaluated: 2016-06-21. Review status: criteria provided, single submitter. Criteria: GeneDx Variant Classification (06012015). Collection method: clinical testing. Allele origin: germline. Affected: yes.
Comment: The L178P variant has been reported previously, using alternate nomenclature, in an individual who had a positive newborn screening result for very long-chain acyl-CoA dehydrogenase (VLCAD) deficiency in whom a second variant was not identified in the ACADVL gene and in whom residual VLCAD enzyme activity was 33% (Hoffmann et al. 2012). The L178P variant was not observed in approximately 6500 individuals of European and African American ancestry in the NHLBI Exome Sequencing Project, indicating it is not a common benign variant in these populations. The L178P variant is a semi-conservative amino acid substitution, which may impact secondary protein structure as these residues differ in some properties. This substitution occurs at a position that is conserved across species, and L178 is located in the substrate binding cavity of the VLCAD protein (Hoffmann et al. 2012). In silico analysis predicts this variant is probably damaging to the protein structure/function. In summary, this variant is likely pathogenic; however, the possibility that it is benign cannot be excluded.

Literature cited by the submitters: PubMed 21932095 (cited by Labcorp Genetics (formerly Invitae), Labcorp).